The following is an entry in ClinVar:

NM_003690.5(PRKRA):c.637T>C (p.Cys213Arg)

Genes: CHROMR (cholesterol induced regulator of metabolism RNA; plus strand), PRKRA (protein activator of interferon induced protein kinase EIF2AK2; minus strand). Cytogenetic location: 2q31.2.
Variant type: single nucleotide variant.
Coding change: c.637T>C on transcript NM_003690.5 (MANE Select); coding-DNA position 637, T replaced by C.
Protein change: p.Cys213Arg; replaces cysteine 213 with arginine.
Molecular consequence: missense variant.
Genome position (GRCh38, 1-based): chr2:178,436,292, A>G on the plus strand (T>C on the coding strand, the complement: PRKRA is on the minus strand). VCF-style: chr2-178436292-A-G. GRCh37 (hg19) VCF-style: chr2-179301019-A-G.
Other names: c.604T>C, p.Cys202Arg (NM_001139517.2); c.562T>C, p.Cys188Arg (NM_001139518.2); c.298T>C, p.Cys100Arg (NM_001316362.2); short protein forms C100R, C202R, C188R, C213R.
Identifiers: ClinVar variation 689778 (VCV000689778.2), dbSNP rs1575088174, ClinGen allele CA349401095.
Genomic context (GRCh38, chr2:178,436,292, plus strand): 5'-GGCTTCTTTTCAGTAAGTTGATCTTTTCACCAGGAGAATTCCTCAAGGAATGCCAAGTAC[A>G]TCCTAAAGAATGTCCTACTACATTTGTCTGAAAAACAGAGATGAAGATTTAGACTCTTGA-3'
Protein context (NP_003681.1, residues 203-223): LTNVVGHSLG[Cys213Arg]TWHSLRNSPG

ClinVar aggregate classification (germline): Uncertain significance. Review status: criteria provided, multiple submitters, no conflicts (2 of 4 stars). 2 submissions from 2 submitters: Uncertain significance (2). Last evaluated 2026-03-04.

Conditions:
Dystonia 16 (DYT16). Also called: DYT-PRKRA. Identifiers: Orphanet 210571, MedGen C2677567, MONDO:0012789, OMIM 612067.

Submissions (2):

Women's Health and Genetics/Laboratory Corporation of America, LabCorp
Classification: Uncertain significance. Last evaluated: 2026-03-04. Review status: criteria provided, single submitter. Criteria: LabCorp Variant Classification Summary - May 2015. Collection method: clinical testing. Allele origin: germline.
Comment: Variant summary: PRKRA c.637T>C (p.Cys213Arg) results in a non-conservative amino acid change in the encoded protein sequence. Algorithms developed to predict the effect of missense changes on protein structure and function are either unavailable or do not agree on the potential impact of this missense change. The variant was absent in 251216 control chromosomes. c.637T>C has been observed de novo in trans with a pathogenic variant in at least one individual affected with Dystonia 16 (Lemmon_2013, Liu_2019). This report suggests the variant may be associated with disease. At least two publications report experimental evidence evaluating an impact on protein function and results suggest the variant results in increased activation compared to the wildtype protein (e.g. Burnett_2020, Vaughn_2022). However, as the variant was primarily tested together with another pathogenic variant with an activating effect, these findings do not allow convincing conclusions about the variant, which exhibited only a slight activating effect when tested in isolation. The following publications have been ascertained in the context of this evaluation (PMID: 33049316, 24142417, 31216405, 35625640). ClinVar contains an entry for this variant (Variation ID: 689778). Based on the evidence outlined above, the variant was classified as VUS-possibly pathogenic.

Baylor Genetics
Classification: Uncertain significance for Dystonia 16. Last evaluated: 2017-12-31. Review status: criteria provided, single submitter. Criteria: ACMG Guidelines, 2015. Collection method: clinical testing. Allele origin: germline. Affected: yes.

Literature cited by the submitters: PubMed 31216405 (cited by Women's Health and Genetics/Laboratory Corporation of America, LabCorp); PubMed 33049316 (cited by Women's Health and Genetics/Laboratory Corporation of America, LabCorp); PubMed 24142417 (cited by Women's Health and Genetics/Laboratory Corporation of America, LabCorp and Baylor Genetics); PubMed 35625640 (cited by Women's Health and Genetics/Laboratory Corporation of America, LabCorp).